The following is an entry in ClinVar:

ClinVar aggregate classification (germline): Uncertain significance (1 of 4 stars; one submission).

Conditions:
Genitopatellar syndrome (GTPTS). Also called: ABSENT PATELLAE, SCROTAL HYPOPLASIA, RENAL ANOMALIES, FACIAL DYSMORPHISM, AND MENTAL RETARDATION; Genitopatellar syndrome (GPS). Identifiers: Orphanet 85201, MedGen C1853566, MONDO:0011640, OMIM 606170.

Submission:

Labcorp Genetics (formerly Invitae), Labcorp
Classification: Uncertain significance for Genitopatellar syndrome. Last evaluated: 2025-02-04. Review status: criteria provided, single submitter. Criteria: Invitae Variant Classification Sherloc (09022015). Collection method: clinical testing. Allele origin: germline.
Comment: This variant, c.3301_3312dup, results in the insertion of 4 amino acid(s) of the KAT6B protein (p.Glu1101_Glu1104dup), but otherwise preserves the integrity of the reading frame. This variant is not present in population databases (gnomAD no frequency). This variant has not been reported in the literature in individuals affected with KAT6B-related conditions. In summary, the available evidence is currently insufficient to determine the role of this variant in disease. Therefore, it has been classified as a Variant of Uncertain Significance.

NM_012330.4(KAT6B):c.3289GAA[12] (p.Glu1104_Asn1105insGluGluGluGlu)

Gene: KAT6B (lysine acetyltransferase 6B; plus strand). Cytogenetic location: 10q22.2.
Variant type: Microsatellite.
Coding change: c.3289GAA[12] on transcript NM_012330.4 (MANE Select); 12 copies in a row of the 3-base unit GAA starting at c.3289; the reference has eight copies in a row; four copies, 12 bases duplicated.
Protein change: p.Glu1104_Asn1105insGluGluGluGlu.
Molecular consequence: inframe insertion.
Genome position (GRCh38, 1-based): chr10:75,022,160-75,022,171, GAAGAAGAAGAA duplicated; duplicating any 12 consecutive bases within chr10:75,022,148-75,022,171 gives the same sequence; the position shown is the placement nearest the transcript's 3' end. VCF-style (leftmost placement, unchanged base first): chr10-75022147-G-GGAAGAAGAAGAA. GRCh37 (hg19) VCF-style: chr10-76781905-G-GGAAGAAGAAGAA.
Other names: c.2740GAA[12], p.Glu921_Asn922insGluGluGluGlu (NM_001256468.2, NM_001370138.1); c.2413GAA[12], p.Glu812_Asn813insGluGluGluGlu (NM_001256469.2, NM_001370139.1, NM_001370140.1 and 2 more transcripts); c.2251GAA[12], p.Glu758_Asn759insGluGluGluGlu (NM_001370132.1); c.1600GAA[12], p.Glu541_Asn542insGluGluGluGlu (NM_001370133.1); c.1204GAA[12], p.Glu409_Asn410insGluGluGluGlu (NM_001370134.1); c.946GAA[12], p.Glu323_Asn324insGluGluGluGlu (NM_001370135.1); c.3289GAA[12], p.Glu1104_Asn1105insGluGluGluGlu (NM_001370136.1, NM_001370137.1); c.2224GAA[12], p.Glu749_Asn750insGluGluGluGlu (NM_001370143.1, NM_001370144.1).
Identifiers: ClinVar variation 2912054 (VCV002912054.3), dbSNP rs71929101, ClinGen allele CA930016112.